The following is an entry in ClinVar:

ClinVar aggregate classification (germline): Uncertain significance. Review status: criteria provided, multiple submitters, no conflicts (2 of 4 stars). 2 submissions from 2 submitters: Uncertain significance (2). Last evaluated 2025-01-06.

gnomAD v4.1: 36 of 1,613,928 alleles (0.0022%); highest among the groups gnomAD compares: Middle Eastern, 0.017%; no homozygotes.

Submissions (2):

Labcorp Genetics (formerly Invitae), Labcorp
Classification: Uncertain significance. Last evaluated: 2025-01-06. Review status: criteria provided, single submitter. Criteria: Invitae Variant Classification Sherloc (09022015). Collection method: clinical testing. Allele origin: germline.
Comment: This sequence change replaces arginine, which is basic and polar, with methionine, which is neutral and non-polar, at codon 787 of the AGBL5 protein (p.Arg787Met). This variant is present in population databases (rs199568545, gnomAD 0.008%). This variant has not been reported in the literature in individuals affected with AGBL5-related conditions. ClinVar contains an entry for this variant (Variation ID: 1390531). An algorithm developed to predict the effect of missense changes on protein structure and function (PolyPhen-2) suggests that this variant is likely to be disruptive. In summary, the available evidence is currently insufficient to determine the role of this variant in disease. Therefore, it has been classified as a Variant of Uncertain Significance.

Blueprint Genetics
Classification: Uncertain significance. Last evaluated: 2024-08-28. Review status: criteria provided, single submitter. Criteria: ACMG Guidelines, 2015. Collection method: clinical testing. Allele origin: germline.

NM_021831.6(AGBL5):c.2360G>T (p.Arg787Met)

Gene: AGBL5 (AGBL carboxypeptidase 5; plus strand). Cytogenetic location: 2p23.3.
Variant type: single nucleotide variant.
Coding change: c.2360G>T on transcript NM_021831.6 (MANE Select); coding-DNA position 2360, G replaced by T.
Protein change: p.Arg787Met; replaces arginine 787 with methionine.
Molecular consequence: missense variant. On other transcripts: non-coding transcript variant (2).
Genome position (GRCh38, 1-based): chr2:27,069,577, G>T. VCF-style: chr2-27069577-G-T. GRCh37 (hg19) VCF-style: chr2-27292445-G-T.
Other names: short protein forms R787M.
Identifiers: ClinVar variation 1390531 (VCV001390531.6), dbSNP rs199568545, ClinGen allele CA1568228.
Genomic context (GRCh38, chr2:27,069,577, plus strand): 5'-AAAGCAAAAAACTCATGGAAGAATCCAGCCTCTTAGCGCAAACCCTGTCCACACAGGCTA[G>T]GCCCAGGTTGGGCCGGGGCTCACCGCCGACTCGCAGAGGGATGAAAGGCTCTTCAGGCCC-3'
Protein context (NP_068603.4, residues 777-797): MPCIKTRLQA[Arg787Met]PRLGRGSPPT